The following is an entry in ClinVar:

NM_001854.4(COL11A1):c.4603_4604delinsCT (p.Ser1535Leu)

Gene: COL11A1 (collagen type XI alpha 1 chain; minus strand). Cytogenetic location: 1p21.1.
Variant type: Indel.
Coding change: c.4603_4604delinsCT on transcript NM_001854.4 (MANE Select); coding-DNA positions 4603 to 4604, TC replaced by CT.
Protein change: p.Ser1535Leu; replaces serine 1535 with leucine.
Molecular consequence: missense variant. On other transcripts: non-coding transcript variant (1).
Genome position (GRCh38, 1-based): chr1:102,888,581-102,888,582, GA replaced by AG on the plus strand (TC replaced by CT on the coding strand, the reverse complement: COL11A1 is on the minus strand). VCF-style: chr1-102888581-GA-AG. GRCh37 (hg19) VCF-style: chr1-103354137-GA-AG.
Other names: c.4486_4487delinsCT, p.Ser1496Leu (NM_001190709.2); c.4639_4640delinsCT, p.Ser1547Leu (NM_080629.3); c.4255_4256delinsCT, p.Ser1419Leu (NM_080630.4); short protein forms S1419L, S1496L, S1535L, S1547L.
Identifiers: ClinVar variation 1304617 (VCV001304617.7), dbSNP rs2100851197, ClinGen allele CA2573051320.
Genomic context (GRCh38, chr1:102,888,581, plus strand): 5'-TTGGCAGCTTCCAGATGCAAACTGTCAGAACATCACTCTTGTTAACATATACTTACTGGA[GA>AG]CCCAGGAGGCCCTGGAAGACCACTGTCACCTTTCTGGCCAGCGGGTCCCTGTTAGAAAGA-3'
Protein context (NP_001845.3, residues 1525-1545): GDSGLPGPPG[Ser1535Leu]PGPPGEVIQP

ClinVar aggregate classification (germline): Uncertain significance. Review status: criteria provided, multiple submitters, no conflicts (2 of 4 stars). 2 submissions from 2 submitters: Uncertain significance (2). Last evaluated 2024-02-24.

Submissions (2):

Labcorp Genetics (formerly Invitae), Labcorp
Classification: Uncertain significance. Last evaluated: 2024-02-24. Review status: criteria provided, single submitter. Criteria: Invitae Variant Classification Sherloc (09022015). Collection method: clinical testing. Allele origin: germline.
Comment: This sequence change replaces serine with leucine at codon 1535 of the COL11A1 protein (p.Ser1535Leu). The serine residue is weakly conserved and there is a large physicochemical difference between serine and leucine. Information on the frequency of this variant in the gnomAD database is not available, as this variant may be reported differently in the database. This variant has not been reported in the literature in individuals affected with COL11A1-related conditions. ClinVar contains an entry for this variant (Variation ID: 1304617). Experimental studies and prediction algorithms are not available or were not evaluated, and the functional significance of this variant is currently unknown. In summary, the available evidence is currently insufficient to determine the role of this variant in disease. Therefore, it has been classified as a Variant of Uncertain Significance.

GeneDx
Classification: Uncertain significance. Last evaluated: 2021-04-13. Review status: criteria provided, single submitter. Criteria: GeneDx Variant Classification Process June 2021. Collection method: clinical testing. Allele origin: germline. Affected: yes.
Comment: Not observed in large population cohorts (Lek et al., 2016); In silico analysis supports that this variant does not alter protein structure/function; Has not been previously published as pathogenic or benign to our knowledge